The following is an entry in ClinVar:

NM_001042492.3(NF1):c.1224T>G (p.Tyr408Ter)

Gene: NF1 (neurofibromin 1; plus strand). Cytogenetic location: 17q11.2.
Variant type: single nucleotide variant.
Coding change: c.1224T>G on transcript NM_001042492.3 (MANE Select); coding-DNA position 1224, T replaced by G.
Protein change: p.Tyr408Ter; replaces tyrosine 408 with a stop codon.
Molecular consequence: nonsense.
Genome position (GRCh38, 1-based): chr17:31,201,449, T>G. VCF-style: chr17-31201449-T-G. GRCh37 (hg19) VCF-style: chr17-29528467-T-G.
Other names: c.1224T>G, p.Tyr408Ter (NM_000267.4, NM_001128147.3); short protein forms Y408*.
Identifiers: ClinVar variation 844580 (VCV000844580.8), dbSNP rs1555611089, ClinGen allele CA398997609.

ClinVar aggregate classification (germline): Pathogenic. Review status: criteria provided, multiple submitters, no conflicts (2 of 4 stars). 3 submissions from 3 submitters: Pathogenic (3). Last evaluated 2026-02-20.

Conditions:
Neurofibromatosis, type 1 (NF1). Also called: Peripheral type neurofibromatosis; VON RECKLINGHAUSEN DISEASE; Neurofibromatosis, type I; NEUROFIBROMATOSIS, TYPE I, SOMATIC. Identifiers: Orphanet 636, MedGen C0027831, MONDO:0018975, OMIM 162200. Disease mechanism: loss of function.
NF1-related disorder. Also called: NF1-related condition. Identifiers: MedGen CN379171.

Submissions (3):

GeneDx
Classification: Pathogenic. Last evaluated: 2026-02-20. Review status: criteria provided, single submitter. Criteria: GeneDx Variant Classification Process June 2021. Collection method: clinical testing. Allele origin: germline.
Comment: Nonsense variant predicted to result in protein truncation or nonsense mediated decay in a gene for which loss of function is a known mechanism of disease; Not observed at significant frequency in large population cohorts (gnomAD); This variant is associated with the following publications: (PMID: 25525159, 10712197, 26969325)

Blueprint Genetics
Classification: Pathogenic for NF1-related disorders. Last evaluated: 2021-10-15. Review status: criteria provided, single submitter. Criteria: ACMG Guidelines, 2015. Collection method: clinical testing. Allele origin: germline. Affected: yes. Observed: 1 variant allele.

Labcorp Genetics (formerly Invitae), Labcorp
Classification: Pathogenic for Neurofibromatosis, type 1. Last evaluated: 2019-04-19. Review status: criteria provided, single submitter. Criteria: Invitae Variant Classification Sherloc (09022015). Collection method: clinical testing. Allele origin: germline.
Comment: This sequence change creates a premature translational stop signal (p.Tyr408*) in the NF1 gene. It is expected to result in an absent or disrupted protein product. This variant is not present in population databases (ExAC no frequency). For these reasons, this variant has been classified as Pathogenic. Loss-of-function variants in NF1 are known to be pathogenic (PMID: 10712197, 23913538). This variant has been observed in individuals affected with neurofibromatosis type 1 (PMID: 10712197, 26969325).

Literature cited by the submitters: PubMed 10712197 (cited by Labcorp Genetics (formerly Invitae), Labcorp); PubMed 23913538 (cited by Labcorp Genetics (formerly Invitae), Labcorp); PubMed 26969325 (cited by Labcorp Genetics (formerly Invitae), Labcorp).